The following is an entry in ClinVar:

ClinVar aggregate classification (germline): Uncertain significance (1 of 4 stars; one submission).

Conditions:
Myofibrillar myopathy 4. Also called: Zaspopathy (type). Identifiers: Orphanet 98912, MedGen C4721886, MONDO:0012277, OMIM 609452.

Submission:

Labcorp Genetics (formerly Invitae), Labcorp
Classification: Uncertain significance for Myofibrillar myopathy 4. Last evaluated: 2024-04-06. Review status: criteria provided, single submitter. Criteria: Invitae Variant Classification Sherloc (09022015). Collection method: clinical testing. Allele origin: germline.
Comment: This sequence change replaces isoleucine, which is neutral and non-polar, with asparagine, which is neutral and polar, at codon 29 of the LDB3 protein (p.Ile29Asn). This variant is not present in population databases (gnomAD no frequency). This variant has not been reported in the literature in individuals affected with LDB3-related conditions. An algorithm developed to predict the effect of missense changes on protein structure and function (PolyPhen-2) suggests that this variant is likely to be disruptive. In summary, the available evidence is currently insufficient to determine the role of this variant in disease. Therefore, it has been classified as a Variant of Uncertain Significance.

NM_007078.3(LDB3):c.86T>A (p.Ile29Asn)

Gene: LDB3 (LIM domain binding 3; plus strand). Cytogenetic location: 10q23.2.
Variant type: single nucleotide variant.
Coding change: c.86T>A on transcript NM_007078.3 (MANE Select); coding-DNA position 86, T replaced by A.
Protein change: p.Ile29Asn; replaces isoleucine 29 with asparagine.
Molecular consequence: missense variant.
Genome position (GRCh38, 1-based): chr10:86,668,777, T>A. VCF-style: chr10-86668777-T-A. GRCh37 (hg19) VCF-style: chr10-88428534-T-A.
Other names: c.86T>A, p.Ile29Asn (NM_001080114.2, NM_001080115.2, NM_001080116.1 and 8 more transcripts); short protein forms I29N.
Identifiers: ClinVar variation 3647984 (VCV003647984.2).